The following is an entry in ClinVar:

ClinVar aggregate classification (germline): Likely benign (0 of 4 stars; one submission).

Conditions:
WDPCP-related disorder. Also called: WDPCP-related condition.

Allele frequency attached by ClinVar (database versions not stated): TOPMed below 0.00001; gnomAD 0.00001.
gnomAD v4.1: 3 of 1,613,936 alleles (0.00019%); highest among the groups gnomAD compares: Non-Finnish European, 0.00025%; no homozygotes.

Submission:

PreventionGenetics, part of Exact Sciences
Classification: Likely benign for WDPCP-related condition. Last evaluated: 2023-11-21. Review status: no assertion criteria provided. Collection method: clinical testing. Allele origin: germline.
Comment: This variant is classified as likely benign based on ACMG/AMP sequence variant interpretation guidelines (Richards et al. 2015 PMID: 25741868, with internal and published modifications).

NM_015910.7(WDPCP):c.1425G>A (p.Leu475=)

Gene: WDPCP (WD repeat containing planar cell polarity effector; minus strand). Cytogenetic location: 2p15.
Variant type: single nucleotide variant.
Coding change: c.1425G>A on transcript NM_015910.7 (MANE Select); coding-DNA position 1425, G replaced by A.
Protein change: p.Leu475=; no amino-acid change (leucine 475 retained).
Molecular consequence: synonymous variant. On other transcripts: non-coding transcript variant (3).
Genome position (GRCh38, 1-based): chr2:63,404,058, C>T on the plus strand (G>A on the coding strand, the complement: WDPCP is on the minus strand). VCF-style: chr2-63404058-C-T. GRCh37 (hg19) VCF-style: chr2-63631193-C-T.
Other names: c.948G>A, p.Leu316= (NM_001042692.3); c.1353G>A, p.Leu451= (NM_001354044.2); c.1425G>A, p.Leu475= (NM_001354045.2).
Identifiers: ClinVar variation 3031162 (VCV003031162.2), dbSNP rs540688957, ClinGen allele CA49233661.